The following is an entry in ClinVar:

NM_005343.4(HRAS):c.238dup (p.Cys80fs)

Genes: HRAS (HRas proto-oncogene, GTPase; minus strand), LRRC56 (leucine rich repeat containing 56; plus strand). Cytogenetic location: 11p15.5.
Variant type: Duplication.
Coding change: c.238dup on transcript NM_005343.4 (MANE Select); coding-DNA position 238, one base duplicated (T; older notation c.238dupT).
Protein change: p.Cys80fs; shifts the reading frame from cysteine 80.
Molecular consequence: frameshift variant. On other transcripts: 5 prime UTR variant (1), intron variant (2).
Genome position (GRCh38, 1-based): chr11:533,818, A duplicated on the plus strand (T on the coding strand, the reverse complement: HRAS is on the minus strand). VCF-style (leftmost placement, unchanged base first): chr11-533817-C-CA. GRCh37 (hg19) VCF-style: chr11-533817-C-CA.
Other names: c.238dup, p.Cys80fs (NM_001130442.3, NM_176795.5); c.-82dup (NM_001318054.2); c.-162+5481dup (NM_001441284.1, NM_001441286.1); short protein forms C80fs.
Identifiers: ClinVar variation 4723841 (VCV004723841.1).

ClinVar aggregate classification (germline): Uncertain significance (1 of 4 stars; one submission).

Conditions:
Costello syndrome (CSTLO). Also called: FACIOCUTANEOSKELETAL SYNDROME; FCS SYNDROME; HRAS-Related Costello Syndrome. Identifiers: Orphanet 3071, MedGen C0587248, MONDO:0009026, OMIM 218040.

Submission:

Labcorp Genetics (formerly Invitae), Labcorp
Classification: Uncertain significance for Costello syndrome. Last evaluated: 2025-07-23. Review status: criteria provided, single submitter. Criteria: Invitae Variant Classification Sherloc (09022015). Collection method: clinical testing. Allele origin: germline.
Comment: This sequence change creates a premature translational stop signal (p.Cys80Leufs*12) in the HRAS gene. It is expected to result in an absent or disrupted protein product. However, the current clinical and genetic evidence is not sufficient to establish whether loss-of-function variants in HRAS cause disease. This variant is not present in population databases (gnomAD no frequency). This variant has not been reported in the literature in individuals affected with HRAS-related conditions. Algorithms developed to predict the effect of sequence changes on RNA splicing suggest that this variant may disrupt the consensus splice site. In summary, the available evidence is currently insufficient to determine the role of this variant in disease. Therefore, it has been classified as a Variant of Uncertain Significance.